The following is an entry in ClinVar:

ClinVar aggregate classification (germline): Conflicting classifications of pathogenicity. Review status: criteria provided, conflicting classifications (1 of 4 stars). 3 submissions from 3 submitters: Pathogenic (1); Likely pathogenic (1); Uncertain significance (1). Last evaluated 2024-05-30.

Conditions:
Adenylosuccinate lyase deficiency (ADSLD). Also called: ADSL DEFICIENCY. Identifiers: Orphanet 46, MedGen C0268126, MONDO:0007068, OMIM 103050.

Allele frequency attached by ClinVar (database versions not stated): gnomAD exomes below 0.00001; ExAC 0.00001; TOPMed 0.00001.
gnomAD v4.1: 2 of 1,614,184 alleles (0.00012%); highest among the groups gnomAD compares: Non-Finnish European, 0.00017%; no homozygotes.

Submissions (3):

Labcorp Genetics (formerly Invitae), Labcorp
Classification: Uncertain significance for Adenylosuccinate lyase deficiency. Last evaluated: 2024-05-30. Review status: criteria provided, single submitter. Criteria: Invitae Variant Classification Sherloc (09022015). Collection method: clinical testing. Allele origin: germline.
Comment: This sequence change replaces arginine, which is basic and polar, with histidine, which is basic and polar, at codon 194 of the ADSL protein (p.Arg194His). This variant is present in population databases (rs755359802, gnomAD 0.0009%). This variant has not been reported in the literature in individuals affected with ADSL-related conditions. ClinVar contains an entry for this variant (Variation ID: 529216). Advanced modeling of protein sequence and biophysical properties (such as structural, functional, and spatial information, amino acid conservation, physicochemical variation, residue mobility, and thermodynamic stability) performed at Invitae indicates that this missense variant is not expected to disrupt ADSL protein function with a negative predictive value of 80%. In summary, the available evidence is currently insufficient to determine the role of this variant in disease. Therefore, it has been classified as a Variant of Uncertain Significance.

Mendelics
Classification: Pathogenic for Adenylosuccinate lyase deficiency. Last evaluated: 2022-05-04. Review status: criteria provided, single submitter. Criteria: Mendelics Assertion Criteria 2019. Collection method: clinical testing. Allele origin: germline.

Clinical Genetics and Genomics, Karolinska University Hospital
Classification: Likely pathogenic. Last evaluated: 2015-09-11. Review status: criteria provided, single submitter. Criteria: ACMG Guidelines, 2015. Collection method: clinical testing. Allele origin: germline. Affected: yes. Observed: 1 variant allele.

NM_000026.4(ADSL):c.581G>A (p.Arg194His)

Gene: ADSL (adenylosuccinate lyase; plus strand). Cytogenetic location: 22q13.1.
Variant type: single nucleotide variant.
Coding change: c.581G>A on transcript NM_000026.4 (MANE Select); coding-DNA position 581, G replaced by A.
Protein change: p.Arg194His; replaces arginine 194 with histidine.
Molecular consequence: missense variant. On other transcripts: non-coding transcript variant (1).
Genome position (GRCh38, 1-based): chr22:40,358,962, G>A. VCF-style: chr22-40358962-G-A. GRCh37 (hg19) VCF-style: chr22-40754966-G-A.
Other names: c.581G>A, p.Arg194His (NM_001123378.3, NM_001363840.3); c.389G>A, p.Arg130His (NM_001317923.2); short protein forms R194H, R130H.
Identifiers: ClinVar variation 529216 (VCV000529216.11), dbSNP rs755359802, ClinGen allele CA10247760.